The following is an entry in ClinVar:

ClinVar aggregate classification (germline): Uncertain significance (1 of 4 stars; one submission).

gnomAD v4.1: 2 of 1,612,206 alleles (0.00012%); highest among the groups gnomAD compares: Non-Finnish European, 0.00017%; no homozygotes.

Submission:

Women's Health and Genetics/Laboratory Corporation of America, LabCorp
Classification: Uncertain significance. Last evaluated: 2024-09-24. Review status: criteria provided, single submitter. Criteria: LabCorp Variant Classification Summary - May 2015. Collection method: clinical testing. Allele origin: germline.
Comment: Variant summary: CREBBP c.6178A>G (p.Arg2060Gly) results in a non-conservative amino acid change located in the Nuclear receptor coactivator, CREB-bp-like, interlocking domain (IPR014744) of the encoded protein sequence. Three of five in-silico tools predict a benign effect of the variant on protein function. The variant was absent in 247074 control chromosomes. The available data on variant occurrences in the general population are insufficient to allow any conclusion about variant significance. To our knowledge, no occurrence of c.6178A>G in individuals affected with Rubinstein-Taybi Syndrome and no experimental evidence demonstrating its impact on protein function have been reported. No submitters have cited clinical-significance assessments for this variant to ClinVar. Based on the evidence outlined above, the variant was classified as uncertain significance.

NM_004380.3(CREBBP):c.6178A>G (p.Arg2060Gly)

Gene: CREBBP (CREB binding protein; minus strand). Cytogenetic location: 16p13.3.
Variant type: single nucleotide variant.
Coding change: c.6178A>G on transcript NM_004380.3 (MANE Select); coding-DNA position 6178, A replaced by G.
Protein change: p.Arg2060Gly; replaces arginine 2060 with glycine.
Molecular consequence: missense variant.
Genome position (GRCh38, 1-based): chr16:3,728,869, T>C on the plus strand (A>G on the coding strand, the complement: CREBBP is on the minus strand). VCF-style: chr16-3728869-T-C. GRCh37 (hg19) VCF-style: chr16-3778870-T-C.
Other names: c.6064A>G, p.Arg2022Gly (NM_001079846.1); short protein forms R2022G, R2060G.
Identifiers: ClinVar variation 3375228 (VCV003375228.1).